The following is an entry in ClinVar:

ClinVar aggregate classification (germline): Uncertain significance (1 of 4 stars; one submission).

Conditions:
Freeman-Sheldon syndrome (DA2A). Also called: CRANIOCARPOTARSAL DYSPLASIA; CRANIOCARPOTARSAL DYSTROPHY; WHISTLING FACE-WINDMILL VANE HAND SYNDROME; Arthrogryposis, distal, type 2A (Freeman-Sheldon). Identifiers: Orphanet 2053, MedGen C0265224, MONDO:0008675, OMIM 193700.

Submission:

3billion
Classification: Uncertain significance for Freeman-Sheldon syndrome. Last evaluated: 2025-12-30. Review status: criteria provided, single submitter. Criteria: ACMG Guidelines, 2015. Collection method: clinical testing. Allele origin: germline. Affected: yes.
Comment: The variant is not observed in the gnomAD v4.1.0 dataset. Predicted Consequence/Location: Missense variant In silico tool predictions suggest damaging effect of the variant on gene or gene product [REVEL: 0.79 (>=0.6, sensitivity 0.68 and specificity 0.92)]. Different missense changes at the same codon have been reported as of uncertain significance (ClinVar ID: VCV003634453). Therefore, this variant is classified as VUS according to the recommendation of ACMG/AMP guideline.

NM_002470.4(MYH3):c.1924G>C (p.Gly642Arg)

Gene: MYH3 (myosin heavy chain 3; minus strand). Cytogenetic location: 17p13.1.
Variant type: single nucleotide variant.
Coding change: c.1924G>C on transcript NM_002470.4 (MANE Select); coding-DNA position 1924, G replaced by C.
Protein change: p.Gly642Arg; replaces glycine 642 with arginine.
Molecular consequence: missense variant.
Genome position (GRCh38, 1-based): chr17:10,642,275, C>G on the plus strand (G>C on the coding strand, the complement: MYH3 is on the minus strand). VCF-style: chr17-10642275-C-G. GRCh37 (hg19) VCF-style: chr17-10545592-C-G.
Other names: short protein forms G642R.
Identifiers: ClinVar variation 4855727 (VCV004855727.1).